The following is an entry in ClinVar:

ClinVar aggregate classification (germline): Likely benign (1 of 4 stars; one submission).

gnomAD v4.1: 2,273 of 1,613,182 alleles (0.14%); highest among the groups gnomAD compares: Admixed American, 0.18%; 4 homozygotes.

Submission:

CeGaT Center for Human Genetics Tuebingen
Classification: Likely benign. Last evaluated: 2025-09-01. Review status: criteria provided, single submitter. Criteria: CeGaT Center For Human Genetics Tuebingen Variant Classification Criteria Version 2. Collection method: clinical testing. Allele origin: germline. Affected: yes. Observed: 1 variant allele.
Comment: MAST4: BP4, BP7

NM_001164664.2(MAST4):c.5841C>T (p.Ser1947=)

Gene: MAST4 (microtubule associated serine/threonine kinase family member 4; plus strand). Cytogenetic location: 5q12.3.
Variant type: single nucleotide variant.
Coding change: c.5841C>T on transcript NM_001164664.2 (MANE Select); coding-DNA position 5841, C replaced by T.
Protein change: p.Ser1947=; no amino-acid change (serine 1947 retained).
Molecular consequence: synonymous variant.
Genome position (GRCh38, 1-based): chr5:67,165,020, C>T. VCF-style: chr5-67165020-C-T. GRCh37 (hg19) VCF-style: chr5-66460848-C-T.
Other names: c.5223C>T, p.Ser1741= (NM_001290226.2); c.5058C>T, p.Ser1686= (NM_001290227.2, NM_001393527.1); c.5259C>T, p.Ser1753= (NM_001297651.2); c.5850C>T, p.Ser1950= (NM_001393524.1); c.5640C>T, p.Ser1880= (NM_001393525.1); c.5073C>T, p.Ser1691= (NM_001393526.1); c.5037C>T, p.Ser1679= (NM_001393528.1); c.5274C>T, p.Ser1758= (NM_015183.3).
Identifiers: ClinVar variation 4280761 (VCV004280761.7).
Genomic context (GRCh38, chr5:67,165,020, plus strand): 5'-ACACCAAGACCACACCACTGACCCCAAGCTTCTGACCTGCCTGGGGCAGAACCTCCACAG[C>T]CCTGACCTGGCCAGGCCACGCTGCCCGCTCCCACCTGAAGCTTCCCCCTCAAGGGAGAAG-3'
Protein context (NP_001158136.1, residues 1937-1957): LLTCLGQNLH[Ser1947=]PDLARPRCPL